The following is an entry in ClinVar:

NM_001035.3(RYR2):c.13216A>C (p.Met4406Leu)

Genes: RYR2 (ryanodine receptor 2; plus strand), LOC126806068 (BRD4-independent group 4 enhancer GRCh37_chr1:237947411-237948610; plus strand). Cytogenetic location: 1q43.
Variant type: single nucleotide variant.
Coding change: c.13216A>C on transcript NM_001035.3 (MANE Select); coding-DNA position 13216, A replaced by C.
Protein change: p.Met4406Leu; replaces methionine 4406 with leucine.
Molecular consequence: missense variant.
Genome position (GRCh38, 1-based): chr1:237,784,928, A>C. VCF-style: chr1-237784928-A-C. GRCh37 (hg19) VCF-style: chr1-237948228-A-C.
Other names: short protein forms M4406L.
Identifiers: ClinVar variation 923052 (VCV000923052.5), dbSNP rs1328615953, ClinGen allele CA345415599.

ClinVar aggregate classification (germline): Uncertain significance. Review status: criteria provided, multiple submitters, no conflicts (2 of 4 stars). 2 submissions from 2 submitters: Uncertain significance (2). Last evaluated 2024-08-06.

Conditions:
Cardiomyopathy (CMYO). Also called: Cardiomyopathies. Identifiers: Orphanet 167848, MedGen C0878544, MONDO:0004994, HP:0001638. Inheritance: Various modes of inheritance.
Catecholaminergic polymorphic ventricular tachycardia (CVPT). Also called: Catecholamine-induced polymorphic ventricular tachycardia. Identifiers: Orphanet 3286, MedGen C5574922, MONDO:0017990.

Submissions (2):

All of Us Research Program, National Institutes of Health
Classification: Uncertain significance for Catecholaminergic polymorphic ventricular tachycardia. Last evaluated: 2024-08-06. Review status: criteria provided, single submitter. Criteria: ACMG Guidelines, 2015. Collection method: clinical testing. Allele origin: germline. Inheritance: Autosomal dominant inheritance. Observed: 2 variant alleles, 2 heterozygotes.
Comment: This missense variant replaces methionine with leucine at codon 4406 of the RYR2 protein. Computational prediction suggests that this variant may not impact protein structure and function (internally defined REVEL score threshold <= 0.5, PMID: 27666373). Splice site prediction tools suggest that this variant may not impact RNA splicing. To our knowledge, functional studies have not been reported for this variant. This variant has not been reported in individuals affected with cardiovascular disorders in the literature. This variant has not been identified in the general population by the Genome Aggregation Database (gnomAD). The available evidence is insufficient to determine the role of this variant in disease conclusively. Therefore, this variant is classified as a Variant of Uncertain Significance.

This study involves interpretation of variants in research participants for the purpose of population health screening. Participant phenotype was not available at the time of variant classification. Additional details can be found in publication PMID: 35346344, PMCID: PMC8962531

Color Diagnostics, LLC DBA Color Health
Classification: Uncertain significance for Cardiomyopathy. Last evaluated: 2024-03-06. Review status: criteria provided, single submitter. Criteria: ACMG Guidelines, 2015. Collection method: clinical testing. Allele origin: germline.
Comment: This missense variant replaces methionine with leucine at codon 4406 of the RYR2 protein. Computational prediction suggests that this variant may not impact protein structure and function (internally defined REVEL score threshold <= 0.5, PMID: 27666373). Splice site prediction tools suggest that this variant may not impact RNA splicing. To our knowledge, functional studies have not been reported for this variant. This variant has not been reported in individuals affected with cardiovascular disorders in the literature. This variant has not been identified in the general population by the Genome Aggregation Database (gnomAD). The available evidence is insufficient to determine the role of this variant in disease conclusively. Therefore, this variant is classified as a Variant of Uncertain Significance.